The following is an entry in ClinVar:

ClinVar aggregate classification (germline): Pathogenic (1 of 4 stars; one submission).

Submission:

Labcorp Genetics (formerly Invitae), Labcorp
Classification: Pathogenic. Last evaluated: 2025-08-18. Review status: criteria provided, single submitter. Criteria: Invitae Variant Classification Sherloc (09022015). Collection method: clinical testing. Allele origin: germline.
Comment: This sequence change creates a premature translational stop signal (p.Val2754Aspfs*4) in the ASPM gene. It is expected to result in an absent or disrupted protein product. Loss-of-function variants in ASPM are known to be pathogenic (PMID: 19028728, 23611254). This variant is present in population databases (rs762516973, gnomAD 0.002%). This variant has not been reported in the literature in individuals affected with ASPM-related conditions. ClinVar contains an entry for this variant (Variation ID: 2997229). For these reasons, this variant has been classified as Pathogenic.

Literature cited by the submitters: PubMed 19028728; PubMed 23611254.

NM_018136.5(ASPM):c.8261_8264del (p.Val2754fs)

Gene: ASPM (assembly factor for spindle microtubules; minus strand). Cytogenetic location: 1q31.3.
Variant type: Deletion.
Coding change: c.8261_8264del on transcript NM_018136.5 (MANE Select); coding-DNA positions 8261 to 8264, 4 bases deleted (TTAG; older notation c.8261_8264delTTAG).
Protein change: p.Val2754fs; shifts the reading frame from valine 2754.
Molecular consequence: frameshift variant. On other transcripts: intron variant (1).
Genome position (GRCh38, 1-based): chr1:197,100,987-197,100,990, CTAA deleted on the plus strand (TTAG on the coding strand, the reverse complement: ASPM is on the minus strand); deleting any 4 consecutive bases within chr1:197,100,987-197,100,992 gives the same sequence; the c. name uses the placement nearest the transcript's 3' end. VCF-style (leftmost placement, unchanged base first): chr1-197100986-TCTAA-T. GRCh37 (hg19) VCF-style: chr1-197070116-TCTAA-T.
Other names: c.4066-4826_4066-4823del (NM_001206846.2); short protein forms V2754fs.
Identifiers: ClinVar variation 2997229 (VCV002997229.3), dbSNP rs762516973, ClinGen allele CA1309253.
Genomic context (GRCh38, chr1:197,100,986, plus strand): 5'-GAGTGCAGATTGGTTAACAATGGCTGCCATCTTTTCCTCTGATACATTTTTCAATTTTTG[TCTAA>T]CTTTCATGCCTCTAAAAGCAGCCTGAATAGTTCGTACAGATTTCTGAACTGCTAAAAAGT-3'